The following is an entry in ClinVar:

ClinVar aggregate classification (germline): Uncertain significance (1 of 4 stars; one submission).

Conditions:
Multiple endocrine neoplasia, type 2 (MEN2). Identifiers: Orphanet 653, MedGen C4048306, MONDO:0019003. Disease mechanism: gain of function.

Submission:

Labcorp Genetics (formerly Invitae), Labcorp
Classification: Uncertain significance for Multiple endocrine neoplasia, type 2. Last evaluated: 2025-04-07. Review status: criteria provided, single submitter. Criteria: Invitae Variant Classification Sherloc (09022015). Collection method: clinical testing. Allele origin: germline.
Comment: This sequence change replaces alanine, which is neutral and non-polar, with glycine, which is neutral and non-polar, at codon 420 of the RET protein (p.Ala420Gly). This variant is not present in population databases (gnomAD no frequency). This variant has not been reported in the literature in individuals affected with RET-related conditions. ClinVar contains an entry for this variant (Variation ID: 1493098). An algorithm developed to predict the effect of missense changes on protein structure and function (PolyPhen-2) suggests that this variant is likely to be disruptive. In summary, the available evidence is currently insufficient to determine the role of this variant in disease. Therefore, it has been classified as a Variant of Uncertain Significance.

NM_020975.6(RET):c.1259C>G (p.Ala420Gly)

Gene: RET (ret proto-oncogene; plus strand). Cytogenetic location: 10q11.21.
Variant type: single nucleotide variant.
Coding change: c.1259C>G on transcript NM_020975.6 (MANE Select); coding-DNA position 1259, C replaced by G.
Protein change: p.Ala420Gly; replaces alanine 420 with glycine.
Molecular consequence: missense variant.
Genome position (GRCh38, 1-based): chr10:43,109,226, C>G. VCF-style: chr10-43109226-C-G. GRCh37 (hg19) VCF-style: chr10-43604674-C-G.
Other names: c.1259C>G, p.Ala420Gly (NM_000323.2, NM_001406743.1, NM_001406744.1 and 6 more transcripts); c.497C>G, p.Ala166Gly (NM_001355216.2); c.1130C>G, p.Ala377Gly (NM_001406761.1, NM_001406762.1, NM_001406764.1 and 1 more transcripts); c.971C>G, p.Ala324Gly (NM_001406766.1, NM_001406767.1, NM_001406770.1); c.821C>G, p.Ala274Gly (NM_001406771.1, NM_001406773.1); c.533C>G, p.Ala178Gly (NM_001406775.1, NM_001406776.1, NM_001406777.1 and 1 more transcripts); c.269C>G, p.Ala90Gly (NM_001406784.1); short protein forms A420G, A166G, A90G, A324G, A377G, A178G, A274G.
Identifiers: ClinVar variation 1493098 (VCV001493098.9), dbSNP rs1837860722, ClinGen allele CA376548107.